The following is an entry in ClinVar:

NM_000038.6(APC):c.7724C>A (p.Ser2575Tyr)

Gene: APC (APC regulator of Wnt signaling pathway; plus strand). Cytogenetic location: 5q22.2.
Variant type: single nucleotide variant.
Coding change: c.7724C>A on transcript NM_000038.6 (MANE Select); coding-DNA position 7724, C replaced by A.
Protein change: p.Ser2575Tyr; replaces serine 2575 with tyrosine.
Molecular consequence: missense variant.
Genome position (GRCh38, 1-based): chr5:112,843,318, C>A. VCF-style: chr5-112843318-C-A. GRCh37 (hg19) VCF-style: chr5-112179015-C-A.
Other names: c.7724C>A, p.Ser2575Tyr (NM_001127510.3, NM_001354895.2, NM_001407450.1); c.7670C>A, p.Ser2557Tyr (NM_001127511.3); c.7778C>A, p.Ser2593Tyr (NM_001354896.2, NM_001407447.1, NM_001407448.1 and 1 more transcripts); c.7754C>A, p.Ser2585Tyr (NM_001354897.2); c.7649C>A, p.Ser2550Tyr (NM_001354898.2); c.7640C>A, p.Ser2547Tyr (NM_001354899.2); c.7601C>A, p.Ser2534Tyr (NM_001354900.2); c.7547C>A, p.Ser2516Tyr (NM_001354901.2, NM_001407453.1); and 11 more; short protein forms S2191Y, S2292Y, S2415Y, S2446Y, S2449Y, S2474Y, S2484Y, S2492Y.
Identifiers: ClinVar variation 1716653 (VCV001716653.6), dbSNP rs2149992639, ClinGen allele CA16038105.
Genomic context (GRCh38, chr5:112,843,318, plus strand): 5'-CATCATCCCTTCCTCGAGTAAGCACTTGGAGAAGAACTGGAAGTTCATCTTCAATTCTTT[C>A]TGCTTCATCAGAATCCAGTGAAAAAGCAAAAAGTGAGGATGAAAAACATGTGAACTCTAT-3'
Protein context (NP_000029.2, residues 2565-2585): RRTGSSSSIL[Ser2575Tyr]ASSESSEKAK

ClinVar aggregate classification (germline): Uncertain significance (1 of 4 stars; one submission).

Conditions:
Familial adenomatous polyposis 1 (FAP1). Also called: FAMILIAL ADENOMATOUS POLYPOSIS 1, ATTENUATED; POLYPOSIS, ADENOMATOUS INTESTINAL. Identifiers: MedGen C2713442, MONDO:0021056, OMIM 175100. Disease mechanism: loss of function.

Submission:

Labcorp Genetics (formerly Invitae), Labcorp
Classification: Uncertain significance for Familial adenomatous polyposis 1. Last evaluated: 2022-08-18. Review status: criteria provided, single submitter. Criteria: Invitae Variant Classification Sherloc (09022015). Collection method: clinical testing. Allele origin: germline.
Comment: This sequence change replaces serine, which is neutral and polar, with tyrosine, which is neutral and polar, at codon 2575 of the APC protein (p.Ser2575Tyr). This variant is not present in population databases (gnomAD no frequency). This variant has not been reported in the literature in individuals affected with APC-related conditions. Algorithms developed to predict the effect of missense changes on protein structure and function are either unavailable or do not agree on the potential impact of this missense change (SIFT: "Deleterious"; PolyPhen-2: "Probably Damaging"; Align-GVGD: "Class C15"). In summary, the available evidence is currently insufficient to determine the role of this variant in disease. Therefore, it has been classified as a Variant of Uncertain Significance.